The following is an entry in ClinVar:

NM_020631.6(PLEKHG5):c.1621G>A (p.Val541Met)

Gene: PLEKHG5 (pleckstrin homology and RhoGEF domain containing G5; minus strand). Cytogenetic location: 1p36.31.
Variant type: single nucleotide variant.
Coding change: c.1621G>A on transcript NM_020631.6 (MANE Select); coding-DNA position 1621, G replaced by A.
Protein change: p.Val541Met; replaces valine 541 with methionine.
Molecular consequence: missense variant.
Genome position (GRCh38, 1-based): chr1:6,470,565, C>T on the plus strand (G>A on the coding strand, the complement: PLEKHG5 is on the minus strand). VCF-style: chr1-6470565-C-T. GRCh37 (hg19) VCF-style: chr1-6530625-C-T.
Other names: c.1828G>A, p.Val610Met (NM_001265593.2); c.1621G>A, p.Val541Met (NM_001265594.3, NM_198681.4, NM_001042664.2 and 1 more transcripts); c.1732G>A, p.Val578Met (NM_001042663.3, NM_001265592.2); short protein forms V541M, V578M, V610M.
Identifiers: ClinVar variation 1063888 (VCV001063888.9), dbSNP rs376903637, ClinGen allele CA561443.
Genomic context (GRCh38, chr1:6,470,565, plus strand): 5'-CCTTGTCCACTTCGTCGCTGCTGCTTTCCACCACCTCGTAGGCGTCGATGCGGCTCACCA[C>T]GGCCGCCAGCCGCTGCCGCTCCTGCCGCTGCCGCATGCACGCGTTCACGTGGTGGATGAA-3'
Protein context (NP_065682.2, residues 531-551): QRQERQRLAA[Val541Met]VSRIDAYEVV

ClinVar aggregate classification (germline): Uncertain significance. Review status: criteria provided, multiple submitters, no conflicts (2 of 4 stars). 3 submissions from 3 submitters: Uncertain significance (3). Last evaluated 2025-01-17.

Conditions:
Inborn genetic diseases. Identifiers: MedGen C0950123, MeSH D030342.
Neuronopathy, distal hereditary motor, autosomal recessive 4. Also called: Autosomal recessive lower motor neuron disease with childhood onset; NEUROPATHY, DISTAL HEREDITARY MOTOR, AUTOSOMAL RECESSIVE 4. Identifiers: Orphanet 206580, MedGen C1970211, MONDO:0012608, OMIM 611067.
Charcot-Marie-Tooth disease recessive intermediate C. Also called: CHARCOT-MARIE-TOOTH NEUROPATHY, RECESSIVE INTERMEDIATE C. Identifiers: Orphanet 369867, MedGen C3809309, MONDO:0014154, OMIM 615376.

Allele frequency attached by ClinVar (database versions not stated): gnomAD 0.00001 and 0.00002; gnomAD exomes 0.00002; TOPMed 0.00002; ExAC 0.00005; ESP Exome Variant Server 0.00008.
gnomAD v4.1: 27 of 1,583,988 alleles (0.0017%); highest among the groups gnomAD compares: African/African-American, 0.0054%; no homozygotes.

Submissions (3):

Ambry Genetics
Classification: Uncertain significance for Inborn genetic diseases. Last evaluated: 2025-01-17. Review status: criteria provided, single submitter. Criteria: Ambry Variant Classification Scheme 2023. Collection method: clinical testing. Allele origin: germline.

Labcorp Genetics (formerly Invitae), Labcorp
Classification: Uncertain significance for Neuronopathy, distal hereditary motor, autosomal recessive 4; Charcot-Marie-Tooth disease recessive intermediate C. Last evaluated: 2022-06-27. Review status: criteria provided, single submitter. Criteria: Invitae Variant Classification Sherloc (09022015). Collection method: clinical testing. Allele origin: germline.
Comment: This sequence change replaces valine, which is neutral and non-polar, with methionine, which is neutral and non-polar, at codon 541 of the PLEKHG5 protein (p.Val541Met). This variant is present in population databases (rs376903637, gnomAD 0.009%). This variant has not been reported in the literature in individuals affected with PLEKHG5-related conditions. ClinVar contains an entry for this variant (Variation ID: 1063888). Algorithms developed to predict the effect of missense changes on protein structure and function are either unavailable or do not agree on the potential impact of this missense change (SIFT: "Deleterious"; PolyPhen-2: "Benign"; Align-GVGD: "Class C0"). Algorithms developed to predict the effect of sequence changes on RNA splicing suggest that this variant may create or strengthen a splice site. In summary, the available evidence is currently insufficient to determine the role of this variant in disease. Therefore, it has been classified as a Variant of Uncertain Significance.

Mayo Clinic Laboratories, Mayo Clinic
Classification: Uncertain significance. Last evaluated: 2019-12-12. Review status: criteria provided, single submitter. Criteria: ACMG Guidelines, 2015. Collection method: clinical testing. Allele origin: germline. Observed: 1 variant allele.